The following is an entry in ClinVar:

ClinVar aggregate classification (germline): Conflicting classifications of pathogenicity. Review status: criteria provided, conflicting classifications (1 of 4 stars). 2 submissions from 2 submitters: Uncertain significance (1); Likely benign (1). Last evaluated 2025-12-08.

Conditions:
Hypokalemic periodic paralysis, type 1. Also called: HypoPP; Hypokalemic Periodic Paralysis Type 1 (AD). Identifiers: Orphanet 681, MedGen C3714580, MONDO:0042979, OMIM 170400.
Malignant hyperthermia, susceptibility to, 5 (MHS5). Also called: CACNA1S-Related Malignant Hyperthermia Susceptibility. Identifiers: Orphanet 423, MedGen C1866077, MONDO:0011163, OMIM 601887.

Allele frequency attached by ClinVar (database versions not stated): gnomAD 0.00001; ExAC 0.00002; gnomAD exomes 0.00001.

Submissions (2):

Dasa
Classification: Uncertain significance. Last evaluated: 2025-12-08. Review status: criteria provided, single submitter. Criteria: DASA Assertion Criteria. Collection method: clinical testing. Allele origin: germline.
Comment: NM_000069.3(CACNA1S):c.3877G>A (p.Ala1293Thr) is a missense variant that results in the substitution of alanine with threonine. This variant is rare in population databases. Computational prediction algorithms are consistent with a deleterious effect. The currently available literature and clinical evidence are not sufficient to establish a definitive association between this variant and the reported condition. Therefore, this variant is classified as a variant of uncertain significance.

Labcorp Genetics (formerly Invitae), Labcorp
Classification: Likely benign for Hypokalemic periodic paralysis, type 1; Malignant hyperthermia, susceptibility to, 5. Last evaluated: 2025-07-24. Review status: criteria provided, single submitter. Criteria: Invitae Variant Classification Sherloc (09022015). Collection method: clinical testing. Allele origin: germline.

NM_000069.3(CACNA1S):c.3877G>A (p.Ala1293Thr)

Gene: CACNA1S (calcium voltage-gated channel subunit alpha1 S; minus strand). Cytogenetic location: 1q32.1.
Variant type: single nucleotide variant.
Coding change: c.3877G>A on transcript NM_000069.3 (MANE Select); coding-DNA position 3877, G replaced by A.
Protein change: p.Ala1293Thr; replaces alanine 1293 with threonine.
Molecular consequence: missense variant.
Genome position (GRCh38, 1-based): chr1:201,052,633, C>T on the plus strand (G>A on the coding strand, the complement: CACNA1S is on the minus strand). VCF-style: chr1-201052633-C-T. GRCh37 (hg19) VCF-style: chr1-201021761-C-T.
Other names: short protein forms A1293T.
Identifiers: ClinVar variation 2080561 (VCV002080561.6), dbSNP rs555016254, ClinGen allele CA082922.